The following is an entry in ClinVar:

NM_000193.4(SHH):c.1135C>G (p.Pro379Ala)

Gene: SHH (sonic hedgehog signaling molecule; minus strand). Cytogenetic location: 7q36.3.
Variant type: single nucleotide variant.
Coding change: c.1135C>G on transcript NM_000193.4 (MANE Select); coding-DNA position 1135, C replaced by G.
Protein change: p.Pro379Ala; replaces proline 379 with alanine.
Molecular consequence: missense variant. On other transcripts: intron variant (1).
Genome position (GRCh38, 1-based): chr7:155,803,154, G>C on the plus strand (C>G on the coding strand, the complement: SHH is on the minus strand). VCF-style: chr7-155803154-G-C. GRCh37 (hg19) VCF-style: chr7-155595848-G-C.
Other names: c.302-2909C>G (NM_001310462.2); short protein forms P379A.
Identifiers: ClinVar variation 4076601 (VCV004076601.1).

ClinVar aggregate classification (germline): Uncertain significance (1 of 4 stars; one submission).

Submission:

GeneDx
Classification: Uncertain significance. Last evaluated: 2025-02-25. Review status: criteria provided, single submitter. Criteria: GeneDx Variant Classification Process June 2021. Collection method: clinical testing. Allele origin: germline. Affected: yes.
Comment: Not observed in large population cohorts (gnomAD); In silico analysis supports that this missense variant has a deleterious effect on protein structure/function; Has not been previously published as pathogenic or benign to our knowledge